The following is an entry in ClinVar:

ClinVar aggregate classification (germline): Uncertain significance. Review status: criteria provided, multiple submitters, no conflicts (2 of 4 stars). 4 submissions from 4 submitters: Uncertain significance (4). Last evaluated 2025-08-31.

Conditions:
Inborn genetic diseases. Identifiers: MedGen C0950123, MeSH D030342.
Epidermolysis bullosa simplex 5B, with muscular dystrophy (EBS5B). Also called: Epidermolysis bullosa simplex with muscular dystrophy; EPIDERMOLYSIS BULLOSA SIMPLEX AND LIMB-GIRDLE MUSCULAR DYSTROPHY. Identifiers: Orphanet 257, MedGen C2931072, MONDO:0009181, OMIM 226670.
Epidermolysis bullosa simplex, Ogna type (EBS5A). Also called: Pidermolysis bullosa simplex 5A, Ogna type; EPIDERMOLYSIS BULLOSA SIMPLEX 5A, OGNA TYPE. Identifiers: Orphanet 79401, MedGen C0432317, MONDO:0007555, OMIM 131950.
Epidermolysis bullosa simplex with nail dystrophy (EBS5D). Identifiers: MedGen C4225309, MONDO:0014661, OMIM 616487.
Autosomal recessive limb-girdle muscular dystrophy type 2Q (LGMDR17). Also called: MUSCULAR DYSTROPHY, LIMB-GIRDLE, AUTOSOMAL RECESSIVE 17. Identifiers: Orphanet 254361, MedGen C3150989, MONDO:0013390, OMIM 613723.
Epidermolysis bullosa simplex 5C, with pyloric atresia (EBS5C). Also called: PLEC-Related Epidermolysis Bullosa with Pyloric Atresia; Epidermolysis bullosa simplex with pyloric atresia; PLEC1-Related Epidermolysis Bullosa with Pyloric Atresia. Identifiers: Orphanet 158684, MedGen C2677349, MONDO:0012807, OMIM 612138.

Allele frequency attached by ClinVar (database versions not stated): gnomAD exomes 0.00002; ExAC 0.00003; gnomAD 0.00006 and 0.00007; TOPMed 0.00009; 1000 Genomes Project 30x 0.00016.
gnomAD v4.1: 47 of 1,592,046 alleles (0.003%); highest among the groups gnomAD compares: Admixed American, 0.015%; no homozygotes.

Submissions (4):

Labcorp Genetics (formerly Invitae), Labcorp
Classification: Uncertain significance for Autosomal recessive limb-girdle muscular dystrophy type 2Q; Epidermolysis bullosa simplex, Ogna type; Epidermolysis bullosa simplex with nail dystrophy; Epidermolysis bullosa simplex 5C, with pyloric atresia; Epidermolysis bullosa simplex 5B, with muscular dystrophy. Last evaluated: 2025-08-31. Review status: criteria provided, single submitter. Criteria: Invitae Variant Classification Sherloc (09022015). Collection method: clinical testing. Allele origin: germline.
Comment: This sequence change replaces arginine, which is basic and polar, with tryptophan, which is neutral and slightly polar, at codon 1906 of the PLEC protein (p.Arg1906Trp). This variant is present in population databases (rs782743336, gnomAD 0.01%). This variant has not been reported in the literature in individuals affected with PLEC-related conditions. ClinVar contains an entry for this variant (Variation ID: 598135). Experimental studies and prediction algorithms are not available or were not evaluated, and the functional significance of this variant is currently unknown. In summary, the available evidence is currently insufficient to determine the role of this variant in disease. Therefore, it has been classified as a Variant of Uncertain Significance.

Ambry Genetics
Classification: Uncertain significance for Inborn genetic diseases. Last evaluated: 2025-01-22. Review status: criteria provided, single submitter. Criteria: Ambry Variant Classification Scheme 2023. Collection method: clinical testing. Allele origin: germline.

Revvity Omics, Revvity
Classification: Uncertain significance. Last evaluated: 2019-08-29. Review status: criteria provided, single submitter. Criteria: ACMG Guidelines, 2015. Collection method: clinical testing. Allele origin: germline.

Eurofins Ntd Llc (ga)
Classification: Uncertain significance. Last evaluated: 2018-07-24. Review status: criteria provided, single submitter. Criteria: EGL ClinVar v180209 classification definitions. Collection method: clinical testing. Allele origin: germline. Observed: 1 variant allele, 1 heterozygote.

NM_201384.3(PLEC):c.5635C>T (p.Arg1879Trp)

Gene: PLEC (plectin; minus strand). Cytogenetic location: 8q24.3.
Variant type: single nucleotide variant.
Coding change: c.5635C>T on transcript NM_201384.3 (MANE Select); coding-DNA position 5635, C replaced by T.
Protein change: p.Arg1879Trp; replaces arginine 1879 with tryptophan.
Molecular consequence: missense variant.
Genome position (GRCh38, 1-based): chr8:143,924,294, G>A on the plus strand (C>T on the coding strand, the complement: PLEC is on the minus strand). VCF-style: chr8-143924294-G-A. GRCh37 (hg19) VCF-style: chr8-144998462-G-A.
Other names: c.5716C>T (NM_000445.3); c.5716C>T, p.Arg1906Trp (NM_000445.5); c.5593C>T, p.Arg1865Trp (NM_201378.4); c.5569C>T, p.Arg1857Trp (NM_201379.3); c.6046C>T, p.Arg2016Trp (NM_201380.4); c.5539C>T, p.Arg1847Trp (NM_201381.3); c.5635C>T, p.Arg1879Trp (NM_201382.4); c.5647C>T, p.Arg1883Trp (NM_201383.3); short protein forms R1847W, R1879W, R1906W, R1883W, R1857W, R1865W, R2016W.
Identifiers: ClinVar variation 598135 (VCV000598135.13), dbSNP rs782743336, ClinGen allele CA4926288.